The following is an entry in ClinVar:

ClinVar aggregate classification (germline): Uncertain significance (1 of 4 stars; one submission).

Submission:

GeneDx
Classification: Uncertain significance. Last evaluated: 2023-06-01. Review status: criteria provided, single submitter. Criteria: GeneDx Variant Classification Process June 2021. Collection method: clinical testing. Allele origin: germline. Affected: yes.
Comment: Not observed at significant frequency in large population cohorts (gnomAD); In silico analysis supports that this missense variant does not alter protein structure/function; Has not been previously published as pathogenic or benign to our knowledge

NM_015202.5(KATNIP):c.3449T>C (p.Leu1150Pro)

Gene: KATNIP (katanin interacting protein; plus strand). Cytogenetic location: 16p12.1.
Variant type: single nucleotide variant.
Coding change: c.3449T>C on transcript NM_015202.5 (MANE Select); coding-DNA position 3449, T replaced by C.
Protein change: p.Leu1150Pro; replaces leucine 1150 with proline.
Molecular consequence: missense variant.
Genome position (GRCh38, 1-based): chr16:27,751,821, T>C. VCF-style: chr16-27751821-T-C. GRCh37 (hg19) VCF-style: chr16-27763142-T-C.
Other names: short protein forms L1150P.
Identifiers: ClinVar variation 3362178 (VCV003362178.1).